The following is an entry in ClinVar:

NM_170784.3(MKKS):c.169A>G (p.Thr57Ala)

Gene: MKKS (MKKS centrosomal shuttling protein; minus strand). Cytogenetic location: 20p12.2.
Variant type: single nucleotide variant.
Coding change: c.169A>G on transcript NM_170784.3 (MANE Select); coding-DNA position 169, A replaced by G.
Protein change: p.Thr57Ala; replaces threonine 57 with alanine.
Molecular consequence: missense variant.
Genome position (GRCh38, 1-based): chr20:10,413,346, T>C on the plus strand (A>G on the coding strand, the complement: MKKS is on the minus strand). VCF-style: chr20-10413346-T-C. GRCh37 (hg19) VCF-style: chr20-10393994-T-C.
Other names: c.169A>G, p.Thr57Ala (NM_018848.3); short protein forms T57A.
Identifiers: ClinVar variation 5316 (VCV000005316.18), dbSNP rs74315399, ClinGen allele CA253464.

ClinVar aggregate classification (germline): Pathogenic/Likely pathogenic. Review status: criteria provided, multiple submitters, no conflicts (2 of 4 stars). 8 submissions from 8 submitters: Pathogenic (3); Likely pathogenic (4). 1 of the submissions does not count toward it. Last evaluated 2026-09-24.

Conditions:
MKKS-related disorder. Also called: MKKS-related condition; MKKS-related disorders.
McKusick-Kaufman syndrome (MKKS). Also called: HYDROMETROCOLPOS SYNDROME; HYDROMETROCOLPOS, POSTAXIAL POLYDACTYLY, AND CONGENITAL HEART MALFORMATION. Identifiers: Orphanet 2473, MedGen C0948368, MONDO:0009367, OMIM 236700.
Bardet-Biedl syndrome (BBS). Identifiers: Orphanet 110, MedGen C0752166, MONDO:0015229.
Bardet-Biedl syndrome 6 (BBS6). Identifiers: Orphanet 110, MedGen C1858054, MONDO:0011523, OMIM 605231.

Allele frequency attached by ClinVar (database versions not stated): gnomAD 0.00001; gnomAD exomes 0.00001 and 0.00002; ExAC 0.00002; TOPMed 0.00002.
gnomAD v4.1: 14 of 1,613,934 alleles (0.00087%); highest among the groups gnomAD compares: Admixed American, 0.0067%; no homozygotes.

Submissions (8):

PreventionGenetics, part of Exact Sciences
Classification: Likely pathogenic for MKKS-related condition. Last evaluated: 2026-09-24. Review status: criteria provided, single submitter. Criteria: ACMG Guidelines, 2015. Collection method: clinical testing. Allele origin: germline.
Comment: The MKKS c.169A>G variant is predicted to result in the amino acid substitution p.Thr57Ala. This variant has been reported in the homozygous state in an individual with Bardet-Biedl syndrome (BBS; Milhem et al. 2024. PubMed ID: 38694397). It has also been reported as a single heterozygous variant in an individuals with BBS, one of whom was also compound heterozygous for variants in BBS1 (Katsanis et al. 2000. PubMed ID: 10973251; Muller et al. 2010. PubMed ID: 20177705). Experimental studies indicate this variant impacts protein function (see, for example, Hirayama et al. 2008. PubMed ID: 18094050; Zaghloul et al. 2010. PubMed ID: 20498079; Seo et al. 2010. PubMed ID: 20080638). This variant is reported in 0.012% of alleles in individuals of African descent in gnomAD. This variant is interpreted as likely pathogenic.

GeneDx
Classification: Likely pathogenic. Last evaluated: 2024-09-25. Review status: criteria provided, single submitter. Criteria: GeneDx Variant Classification Process June 2021. Collection method: clinical testing. Allele origin: germline. Affected: yes.
Comment: Identified in the heterozygous state in an individual with Bardet-Biedl syndrome, however, a second MKKS variant was not identified (PMID: 10973251); Published functional studies demonstrate a damaging effect; protein degradation and solubility is altered in transiently transfected HEX293 cells when compared with WT cells (PMID: 18094050); In silico analysis supports that this missense variant has a deleterious effect on protein structure/function; This variant is associated with the following publications: (PMID: 12107442, 20498079, 22446187, 26900326, 11179009, 20080638, 18094050, 10973251, 38694397, 31964843)

Baylor Genetics
Classification: Likely pathogenic for Bardet-Biedl syndrome 6. Last evaluated: 2024-02-05. Review status: criteria provided, single submitter. Criteria: ACMG Guidelines, 2015. Collection method: clinical testing. Allele origin: unknown.

Labcorp Genetics (formerly Invitae), Labcorp
Classification: Pathogenic for McKusick-Kaufman syndrome; Bardet-Biedl syndrome. Last evaluated: 2023-10-13. Review status: criteria provided, single submitter. Criteria: Invitae Variant Classification Sherloc (09022015). Collection method: clinical testing. Allele origin: germline.
Comment: This sequence change replaces threonine, which is neutral and polar, with alanine, which is neutral and non-polar, at codon 57 of the MKKS protein (p.Thr57Ala). This variant is present in population databases (rs74315399, gnomAD 0.01%). This missense change has been observed in individual(s) with clinical features of Bardet-Biedl syndrome (PMID: 10973251; Invitae; external communication). In at least one individual the data is consistent with being in trans (on the opposite chromosome) from a pathogenic variant. ClinVar contains an entry for this variant (Variation ID: 5316). Advanced modeling of protein sequence and biophysical properties (such as structural, functional, and spatial information, amino acid conservation, physicochemical variation, residue mobility, and thermodynamic stability) has been performed at Invitae for this missense variant, however the output from this modeling did not meet the statistical confidence thresholds required to predict the impact of this variant on MKKS protein function. Experimental studies have shown that this missense change affects MKKS function (PMID: 18094050, 20080638, 20498079, 22446187, 22500027, 26900326). For these reasons, this variant has been classified as Pathogenic.

3billion
Classification: Pathogenic for McKusick-Kaufman syndrome. Last evaluated: 2023-07-25. Review status: criteria provided, single submitter. Criteria: ACMG Guidelines, 2015. Collection method: clinical testing. Allele origin: germline. Affected: yes.
Comment: The variant is observed at an extremely low frequency in the gnomAD v2.1.1 dataset (total allele frequency: 0.002%). Predicted Consequence/Location: Protein truncation variants are a common disease-causing mechanism. Functional studies provide strong evidence of the variant having a damaging effect on the gene or gene product (PMID: 18094050). In silico tool predictions suggest damaging effect of the variant on gene or gene product (REVEL: 0.83; 3Cnet: 0.43). Same nucleotide change resulting in same amino acid change has been previously reported as pathogenic/likely pathogenic with strong evidence (ClinVar ID: VCV000005316 /PMID: 10973251). Therefore, this variant is classified as Pathogenic according to the recommendation of ACMG/AMP guideline.

Revvity Omics, Revvity
Classification: Likely pathogenic. Last evaluated: 2022-04-28. Review status: criteria provided, single submitter. Criteria: ACMG Guidelines, 2015. Collection method: clinical testing. Allele origin: germline.

Mendelics
Classification: Pathogenic for McKusick-Kaufman syndrome. Last evaluated: 2019-05-28. Review status: criteria provided, single submitter. Criteria: Mendelics Assertion Criteria 2017. Collection method: clinical testing. Allele origin: unknown.

OMIM
Classification: Pathogenic for BARDET-BIEDL SYNDROME 6. Last evaluated: 2000-09-01. Review status: no assertion criteria provided. Collection method: literature only. Allele origin: germline. Not counted in ClinVar's aggregate classification.

Literature cited by the submitters: PubMed 10973251 (cited by 3 submitters); PubMed 18094050 (cited by Labcorp Genetics (formerly Invitae), Labcorp and 3billion); PubMed 20080638 (cited by Labcorp Genetics (formerly Invitae), Labcorp); PubMed 20498079 (cited by Labcorp Genetics (formerly Invitae), Labcorp); PubMed 22446187 (cited by Labcorp Genetics (formerly Invitae), Labcorp and OMIM); PubMed 22500027 (cited by Labcorp Genetics (formerly Invitae), Labcorp); PubMed 26900326 (cited by Labcorp Genetics (formerly Invitae), Labcorp).